The following is an entry in ClinVar:

ClinVar aggregate classification (germline): Uncertain significance. Review status: criteria provided, multiple submitters, no conflicts (2 of 4 stars). 2 submissions from 2 submitters: Uncertain significance (2). Last evaluated 2024-06-15.

Conditions:
Colorectal cancer, hereditary nonpolyposis, type 7. Identifiers: Orphanet 144, MedGen C1858380, MONDO:0013725, OMIM 614385.

Allele frequency attached by ClinVar (database versions not stated): gnomAD exomes below 0.00001; TOPMed below 0.00001.

Submissions (2):

Ambry Genetics
Classification: Uncertain significance. Last evaluated: 2024-06-15. Review status: criteria provided, single submitter. Criteria: Ambry Variant Classification Scheme 2023. Collection method: clinical testing. Allele origin: germline.
Comment: The p.S1023N variant (also known as c.3068G>A), located in coding exon 1 of the MLH3 gene, results from a G to A substitution at nucleotide position 3068. The serine at codon 1023 is replaced by asparagine, an amino acid with highly similar properties. This amino acid position is conserved. In addition, this alteration is predicted to be tolerated by in silico analysis. Based on the available evidence, the clinical significance of this variant remains unclear.

Labcorp Genetics (formerly Invitae), Labcorp
Classification: Uncertain significance for Colorectal cancer, hereditary nonpolyposis, type 7. Last evaluated: 2022-10-19. Review status: criteria provided, single submitter. Criteria: Invitae Variant Classification Sherloc (09022015). Collection method: clinical testing. Allele origin: germline.
Comment: ClinVar contains an entry for this variant (Variation ID: 1374301). In summary, the available evidence is currently insufficient to determine the role of this variant in disease. Therefore, it has been classified as a Variant of Uncertain Significance. Algorithms developed to predict the effect of missense changes on protein structure and function output the following: SIFT: "Tolerated"; PolyPhen-2: "Benign"; Align-GVGD: "Class C0". The asparagine amino acid residue is found in multiple mammalian species, which suggests that this missense change does not adversely affect protein function. This variant has not been reported in the literature in individuals affected with MLH3-related conditions. This variant is present in population databases (no rsID available, gnomAD 0.003%). This sequence change replaces serine, which is neutral and polar, with asparagine, which is neutral and polar, at codon 1023 of the MLH3 protein (p.Ser1023Asn).

NM_001040108.2(MLH3):c.3068G>A (p.Ser1023Asn)

Gene: MLH3 (mutL homolog 3; minus strand). Cytogenetic location: 14q24.3.
Variant type: single nucleotide variant.
Coding change: c.3068G>A on transcript NM_001040108.2 (MANE Select); coding-DNA position 3068, G replaced by A.
Protein change: p.Ser1023Asn; replaces serine 1023 with asparagine.
Molecular consequence: missense variant.
Genome position (GRCh38, 1-based): chr14:75,046,588, C>T on the plus strand (G>A on the coding strand, the complement: MLH3 is on the minus strand). VCF-style: chr14-75046588-C-T. GRCh37 (hg19) VCF-style: chr14-75513291-C-T.
Other names: c.3068G>A, p.Ser1023Asn (NM_014381.3); c.3068G>A (NM_001040108.1); short protein forms S1023N.
Identifiers: ClinVar variation 1374301 (VCV001374301.9), dbSNP rs1480199553, ClinGen allele CA390436587.